The following is an entry in ClinVar:

NM_138387.4(G6PC3):c.568G>T (p.Val190Leu)

Gene: G6PC3 (glucose-6-phosphatase catalytic subunit 3; plus strand). Cytogenetic location: 17q21.31.
Variant type: single nucleotide variant.
Coding change: c.568G>T on transcript NM_138387.4 (MANE Select); coding-DNA position 568, G replaced by T.
Protein change: p.Val190Leu; replaces valine 190 with leucine.
Molecular consequence: missense variant.
Genome position (GRCh38, 1-based): chr17:44,075,342, G>T. VCF-style: chr17-44075342-G-T. GRCh37 (hg19) VCF-style: chr17-42152710-G-T.
Other names: c.449G>T, p.Ser150Ile (NM_001319945.2); c.223G>T, p.Val75Leu (NM_001384165.1, NM_001384166.1, NM_001384167.1 and 1 more transcripts); short protein forms S150I, V75L, V190L.
Identifiers: ClinVar variation 4027601 (VCV004027601.1).

ClinVar aggregate classification (germline): Uncertain significance (1 of 4 stars; one submission).

Conditions:
Inborn genetic diseases. Identifiers: MedGen C0950123, MeSH D030342.

Submission:

Ambry Genetics
Classification: Uncertain significance for Inborn genetic diseases. Last evaluated: 2025-05-15. Review status: criteria provided, single submitter. Criteria: Ambry Variant Classification Scheme 2023. Collection method: clinical testing. Allele origin: germline.
Comment: The p.V190L variant (also known as c.568G>T), located in coding exon 5 of the G6PC3 gene, results from a G to T substitution at nucleotide position 568. The valine at codon 190 is replaced by leucine, an amino acid with highly similar properties. This amino acid position is conserved. In addition, the in silico prediction for this alteration is inconclusive. Based on the available evidence, the clinical significance of this variant remains unclear.